The following is an entry in ClinVar:

NM_000088.4(COL1A1):c.1664C>G (p.Pro555Arg)

Gene: COL1A1 (collagen type I alpha 1 chain; minus strand). Cytogenetic location: 17q21.33.
Variant type: single nucleotide variant.
Coding change: c.1664C>G on transcript NM_000088.4 (MANE Select); coding-DNA position 1664, C replaced by G.
Protein change: p.Pro555Arg; replaces proline 555 with arginine.
Molecular consequence: missense variant.
Genome position (GRCh38, 1-based): chr17:50,194,134, G>C on the plus strand (C>G on the coding strand, the complement: COL1A1 is on the minus strand). VCF-style: chr17-50194134-G-C. GRCh37 (hg19) VCF-style: chr17-48271495-G-C.
Other names: short protein forms P555R.
Identifiers: ClinVar variation 1303083 (VCV001303083.11), dbSNP rs72648359, ClinGen allele CA291545113.

ClinVar aggregate classification (germline): Conflicting classifications of pathogenicity. Review status: criteria provided, conflicting classifications (1 of 4 stars). 3 submissions from 3 submitters: Likely pathogenic (1); Uncertain significance (2). Last evaluated 2026-02-03.

Conditions:
Osteogenesis imperfecta type I (OI1). Also called: Classic Non-deforming Osteogenesis Imperfecta with Blue Sclerae; Osteogenesis imperfecta type 1; OI, TYPE I; OSTEOGENESIS IMPERFECTA TARDA; OSTEOGENESIS IMPERFECTA WITH BLUE SCLERAE; Lobstein's Disease. Identifiers: Orphanet 216796, Orphanet 666, MedGen C0023931, MONDO:0008146, OMIM 166200. Disease mechanism: loss of function.
Cardiovascular phenotype. Identifiers: MedGen CN230736.

Allele frequency attached by ClinVar (database versions not stated): gnomAD exomes below 0.00001.
gnomAD v4.1: 5 of 1,613,708 alleles (0.00031%); highest among the groups gnomAD compares: Non-Finnish European, 0.00034%; no homozygotes.

Submissions (3):

Labcorp Genetics (formerly Invitae), Labcorp
Classification: Likely pathogenic for Osteogenesis imperfecta type I. Last evaluated: 2026-02-03. Review status: criteria provided, single submitter. Criteria: Invitae Variant Classification Sherloc (09022015). Collection method: clinical testing. Allele origin: germline.
Comment: This sequence change replaces proline, which is neutral and non-polar, with arginine, which is basic and polar, at codon 555 of the COL1A1 protein (p.Pro555Arg). This variant is not present in population databases (gnomAD no frequency). This missense change has been observed in individual(s) with osteogenesis imperfecta, type 1 (PMID: 16786509). ClinVar contains an entry for this variant (Variation ID: 1303083). Invitae Evidence Modeling of protein sequence and biophysical properties (such as structural, functional, and spatial information, amino acid conservation, physicochemical variation, residue mobility, and thermodynamic stability) indicates that this missense variant is expected to disrupt COL1A1 protein function with a positive predictive value of 95%. In summary, the currently available evidence indicates that the variant is pathogenic, but additional data are needed to prove that conclusively. Therefore, this variant has been classified as Likely Pathogenic.

Ambry Genetics
Classification: Uncertain significance for Cardiovascular phenotype. Last evaluated: 2023-09-05. Review status: criteria provided, single submitter. Criteria: Ambry Variant Classification Scheme 2023. Collection method: clinical testing. Allele origin: germline.
Comment: The p.P555R variant (also known as c.1664C>G), located in coding exon 24 of the COL1A1 gene, results from a C to G substitution at nucleotide position 1664. The proline at codon 555 is replaced by arginine, an amino acid with dissimilar properties. This alteration has been reported in subjects with features of osteogenesis imperfects type I (Pollitt R et al. Hum Mutat, 2006 Jul;27:716). This alteration has also been reported in a cervical insufficiency cohort (Volozonoka L et al. PLoS One, 2020 Mar;15:e0230771). This amino acid position is highly conserved in available vertebrate species. In addition, this alteration is predicted to be deleterious by in silico analysis. Since supporting evidence is limited at this time, the clinical significance of this alteration remains unclear.

GeneDx
Classification: Uncertain significance. Last evaluated: 2022-07-11. Review status: criteria provided, single submitter. Criteria: GeneDx Variant Classification Process June 2021. Collection method: clinical testing. Allele origin: germline. Affected: yes.
Comment: Not observed at significant frequency in large population cohorts (gnomAD); In silico analysis supports that this missense variant has a deleterious effect on protein structure/function; Occurs in the triple helical domain at the X position in the canonical Gly-X-Y repeat; although this variant may have an effect on normal protein folding and function, missense substitution at the X position is not a common mechanism of disease (HGMD); This variant is associated with the following publications: (PMID: 16786509)

Literature cited by the submitters: PubMed 16786509 (cited by Labcorp Genetics (formerly Invitae), Labcorp and Ambry Genetics); PubMed 32214361 (cited by Ambry Genetics).